The following is an entry in ClinVar:

NM_000070.3(CAPN3):c.73C>T (p.His25Tyr)

Gene: CAPN3 (calpain 3; plus strand). Cytogenetic location: 15q15.1.
Variant type: single nucleotide variant.
Coding change: c.73C>T on transcript NM_000070.3 (MANE Select); coding-DNA position 73, C replaced by T.
Protein change: p.His25Tyr; replaces histidine 25 with tyrosine.
Molecular consequence: missense variant.
Genome position (GRCh38, 1-based): chr15:42,359,878, C>T. VCF-style: chr15-42359878-C-T. GRCh37 (hg19) VCF-style: chr15-42652076-C-T.
Other names: NM_000070.3(CAPN3):c.73C>T; p.His25Tyr; c.73C>T, p.His25Tyr (NM_024344.2, NM_173087.2); short protein forms H25Y.
Identifiers: ClinVar variation 254876 (VCV000254876.20), dbSNP rs61735534, ClinGen allele CA7510845.

ClinVar aggregate classification (germline): Benign. Review status: reviewed by expert panel (3 of 4 stars). 9 submissions from 9 submitters: Benign (1). 8 of the submissions do not count toward it. Last evaluated 2025-01-07.

Conditions:
Autosomal recessive limb-girdle muscular dystrophy. Identifiers: Orphanet 102015, MedGen C2931907, MONDO:0015152.
Autosomal recessive limb-girdle muscular dystrophy type 2A (LGMDR1). Also called: Muscular dystrophy, limb-girdle, type 2A, Amish; LEYDEN-MOEBIUS MUSCULAR DYSTROPHY; MUSCULAR DYSTROPHY, PELVOFEMORAL; Limb-girdle muscular dystrophy, type 2A; Calpainopathy. Identifiers: Orphanet 267, MedGen C1869123, MONDO:0009675, OMIM 253600. Disease mechanism: loss of function.

Allele frequency attached by ClinVar (database versions not stated): gnomAD exomes 0.00073 and 0.00211; ExAC 0.00267; gnomAD 0.00814 and 0.00885; ESP Exome Variant Server 0.00969; TOPMed 0.00980; 1000 Genomes Project 0.01018; 1000 Genomes Project 30x 0.01140.
gnomAD v4.1: 2,361 of 1,614,210 alleles (0.15%); highest among the groups gnomAD compares: African/African-American, 2.8%; 36 homozygotes.

Submissions (9):

ClinGen Limb Girdle Muscular Dystrophy Variant Curation Expert Panel, ClinGen
Classification: Benign for Autosomal recessive limb-girdle muscular dystrophy. Last evaluated: 2025-01-07. Review status: reviewed by expert panel. Criteria: ClinGen LGMD VCEP ACMG Specifications CAPN3 V1.0.0. Collection method: curation. Allele origin: germline. Inheritance: Autosomal recessive inheritance.
Comment: The NM_000070.3: c.73C>T variant in CAPN3 is a missense variant predicted to cause substitution of histidine by tyrosine at amino acid 25 (p.His25Tyr). The filtering allele frequency of this variant is 0.02825 for African/African American exome chromosomes (the lower threshold of the 95% CI of 530/251040) in gnomAD v2.1.1, which is higher than the LGMD VCEP threshold (≥0.003) for BA1 and therefore meets this criterion (BA1). The computational predictor REVEL gives a score of 0.12, which is above the LGMD VCEP threshold predicting a benign impact on CAPN3 function (≤0.1; BP4 not met). In summary, this variant meets the criteria to be classified as Benign for autosomal recessive limb girdle muscular dystrophy based on the ACMG/AMP criteria applied, as specified by the ClinGen LGMD VCEP (LGMD VCEP specifications version 1.0.0; 01/07/2025): BA1.

Labcorp Genetics (formerly Invitae), Labcorp
Classification: Benign for Autosomal recessive limb-girdle muscular dystrophy type 2A. Last evaluated: 2026-02-02. Review status: criteria provided, single submitter. Criteria: Invitae Variant Classification Sherloc (09022015). Collection method: clinical testing. Allele origin: germline. Not counted in ClinVar's aggregate classification.

Athena Diagnostics
Classification: Benign. Last evaluated: 2023-10-16. Review status: criteria provided, single submitter. Criteria: Athena Diagnostics Criteria. Collection method: clinical testing. Allele origin: unknown. Not counted in ClinVar's aggregate classification.

Mayo Clinic Laboratories, Mayo Clinic
Classification: Benign. Last evaluated: 2021-04-02. Review status: criteria provided, single submitter. Criteria: ACMG Guidelines, 2015. Collection method: clinical testing. Allele origin: germline. Observed: 7 variant alleles. Not counted in ClinVar's aggregate classification.

Illumina Laboratory Services, Illumina
Classification: Likely benign for Limb-girdle muscular dystrophy, type 2A. Last evaluated: 2018-01-12. Review status: criteria provided, single submitter. Criteria: ICSL Variant Classification Criteria 13 December 2019. Collection method: clinical testing. Allele origin: germline. Not counted in ClinVar's aggregate classification.
Comment: This variant was observed in the ICSL laboratory as part of a predisposition screen in an ostensibly healthy population. It had not been previously curated by ICSL or reported in the Human Gene Mutation Database (HGMD: prior to June 1st, 2018), and was therefore a candidate for classification through an automated scoring system. Utilizing variant allele frequency, disease prevalence and penetrance estimates, and inheritance mode, an automated score was calculated to assess if this variant is too frequent to cause the disease. Based on the score and internal cut-off values, a variant classified as likely benign is not then subjected to further curation. The score for this variant resulted in a classification of likely benign for this disease.

GeneDx
Classification: Benign. Last evaluated: 2016-07-27. Review status: criteria provided, single submitter. Criteria: GeneDx Variant Classification (06012015). Collection method: clinical testing. Allele origin: germline. Affected: yes. Not counted in ClinVar's aggregate classification.
Comment: This variant is considered likely benign or benign based on one or more of the following criteria: it is a conservative change, it occurs at a poorly conserved position in the protein, it is predicted to be benign by multiple in silico algorithms, and/or has population frequency not consistent with disease.

Breakthrough Genomics
Classification: Likely benign. Review status: criteria provided, single submitter. Criteria: ACMG Guidelines, 2015. Collection method: not provided. Allele origin: germline. Inheritance: Autosomal recessive inheritance. Affected: yes. Not counted in ClinVar's aggregate classification.

PreventionGenetics, part of Exact Sciences
Classification: Benign. Review status: criteria provided, single submitter. Criteria: ACMG Guidelines, 2015. Collection method: clinical testing. Allele origin: germline. Not counted in ClinVar's aggregate classification.

Natera, Inc.
Classification: Benign for Limb-girdle muscular dystrophy type 2A. Last evaluated: 2020-09-16. Review status: no assertion criteria provided. Collection method: clinical testing. Allele origin: germline. Not counted in ClinVar's aggregate classification.

Literature cited by the submitters: PubMed 25802880 (cited by Athena Diagnostics); PubMed 24123366 (cited by Athena Diagnostics).